The following is an entry in ClinVar:

ClinVar aggregate classification (germline): Uncertain significance. Review status: criteria provided, multiple submitters, no conflicts (2 of 4 stars). 2 submissions from 2 submitters: Uncertain significance (2). Last evaluated 2025-10-28.

Conditions:
Adams-Oliver syndrome 5 (AOS5). Identifiers: Orphanet 974, MedGen C4014970, MONDO:0014459, OMIM 616028.
Familial thoracic aortic aneurysm and aortic dissection (TAAD). Also called: Thoracic aortic aneurysms and dissections. Identifiers: Orphanet 91387, MedGen C4707243, MONDO:0019625.

Allele frequency attached by ClinVar (database versions not stated): gnomAD exomes below 0.00001.
gnomAD v4.1: 3 of 1,612,352 alleles (0.00019%); highest among the groups gnomAD compares: Non-Finnish European, 0.00017%; no homozygotes.

Submissions (2):

Labcorp Genetics (formerly Invitae), Labcorp
Classification: Uncertain significance for Adams-Oliver syndrome 5. Last evaluated: 2025-10-28. Review status: criteria provided, single submitter. Criteria: Invitae Variant Classification Sherloc (09022015). Collection method: clinical testing. Allele origin: germline.
Comment: This sequence change replaces proline, which is neutral and non-polar, with serine, which is neutral and polar, at codon 832 of the NOTCH1 protein (p.Pro832Ser). This variant is not present in population databases (gnomAD no frequency). This variant has not been reported in the literature in individuals affected with NOTCH1-related conditions. ClinVar contains an entry for this variant (Variation ID: 1792117). Invitae Evidence Modeling of protein sequence and biophysical properties (such as structural, functional, and spatial information, amino acid conservation, physicochemical variation, residue mobility, and thermodynamic stability) indicates that this missense variant is not expected to disrupt NOTCH1 protein function with a negative predictive value of 95%. In summary, the available evidence is currently insufficient to determine the role of this variant in disease. Therefore, it has been classified as a Variant of Uncertain Significance.

Ambry Genetics
Classification: Uncertain significance for Familial thoracic aortic aneurysm and aortic dissection. Last evaluated: 2022-09-19. Review status: criteria provided, single submitter. Criteria: Ambry Variant Classification Scheme 2023. Collection method: clinical testing. Allele origin: germline.
Comment: The p.P832S variant (also known as c.2494C>T), located in coding exon 16 of the NOTCH1 gene, results from a C to T substitution at nucleotide position 2494. The proline at codon 832 is replaced by serine, an amino acid with similar properties. This amino acid position is conserved. In addition, the in silico prediction for this alteration is inconclusive. Since supporting evidence is limited at this time, the clinical significance of this alteration remains unclear.

NM_017617.5(NOTCH1):c.2494C>T (p.Pro832Ser)

Gene: NOTCH1 (notch receptor 1; minus strand). Cytogenetic location: 9q34.3.
Variant type: single nucleotide variant.
Coding change: c.2494C>T on transcript NM_017617.5 (MANE Select); coding-DNA position 2494, C replaced by T.
Protein change: p.Pro832Ser; replaces proline 832 with serine.
Molecular consequence: missense variant.
Genome position (GRCh38, 1-based): chr9:136,511,245, G>A on the plus strand (C>T on the coding strand, the complement: NOTCH1 is on the minus strand). VCF-style: chr9-136511245-G-A. GRCh37 (hg19) VCF-style: chr9-139405697-G-A.
Other names: short protein forms P832S.
Identifiers: ClinVar variation 1792117 (VCV001792117.3), dbSNP rs1843177468, ClinGen allele CA375555512.